The following is an entry in ClinVar:

NM_000018.4(ACADVL):c.35G>T (p.Arg12Leu)

Genes: ACADVL (acyl-CoA dehydrogenase very long chain; plus strand), DLG4 (discs large MAGUK scaffold protein 4; minus strand). Cytogenetic location: 17p13.1.
Variant type: single nucleotide variant.
Coding change: c.35G>T on transcript NM_000018.4 (MANE Select); coding-DNA position 35, G replaced by T.
Protein change: p.Arg12Leu; replaces arginine 12 with leucine.
Molecular consequence: missense variant. On other transcripts: 5 prime UTR variant (2), non-coding transcript variant (1), intron variant (1).
Genome position (GRCh38, 1-based): chr17:7,220,019, G>T. VCF-style: chr17-7220019-G-T. GRCh37 (hg19) VCF-style: chr17-7123338-G-T.
Other names: p.Arg12Leu; c.-1170C>A (NM_001321074.1); c.35G>T, p.Arg12Leu (NM_001033859.3); c.-269G>T (NM_001270448.2); c.132-103G>T (NM_001270447.2); short protein forms R12L.
Identifiers: ClinVar variation 3380462 (VCV003380462.1).

ClinVar aggregate classification (germline): Uncertain significance (1 of 4 stars; one submission).

Submission:

Mayo Clinic Laboratories, Mayo Clinic
Classification: Uncertain significance. Last evaluated: 2024-08-29. Review status: criteria provided, single submitter. Criteria: ACMG Guidelines, 2015. Collection method: clinical testing. Allele origin: germline. Observed: 1 variant allele.
Comment: PM2